The following is an entry in ClinVar:

NM_000238.4(KCNH2):c.2855C>G (p.Pro952Arg)

Gene: KCNH2 (potassium voltage-gated channel subfamily H member 2; minus strand). Cytogenetic location: 7q36.1.
Variant type: single nucleotide variant.
Coding change: c.2855C>G on transcript NM_000238.4 (MANE Select); coding-DNA position 2855, C replaced by G.
Protein change: p.Pro952Arg; replaces proline 952 with arginine.
Molecular consequence: missense variant.
Genome position (GRCh38, 1-based): chr7:150,947,716, G>C on the plus strand (C>G on the coding strand, the complement: KCNH2 is on the minus strand). VCF-style: chr7-150947716-G-C. GRCh37 (hg19) VCF-style: chr7-150644804-G-C.
Other names: c.1835C>G, p.Pro612Arg (NM_172057.3); short protein forms P612R, P952R.
Identifiers: ClinVar variation 1036276 (VCV001036276.9), dbSNP rs765920319, ClinGen allele CA035089.

ClinVar aggregate classification (germline): Uncertain significance. Review status: criteria provided, multiple submitters, no conflicts (2 of 4 stars). 2 submissions from 2 submitters: Uncertain significance (2). Last evaluated 2024-09-05.

Conditions:
Long QT syndrome 2 (LQT2). Identifiers: Orphanet 101016, Orphanet 768, MedGen C3150943, MONDO:0013367, OMIM 613688.
Long QT syndrome (LQTS). Identifiers: MedGen C0023976, MeSH D008133, MONDO:0002442. Disease mechanism: loss of function. Inheritance: Various modes of inheritance.

Allele frequency attached by ClinVar (database versions not stated): gnomAD exomes below 0.00001; ExAC 0.00003.
gnomAD v4.1: 2 of 1,580,028 alleles (0.00013%); highest among the groups gnomAD compares: South Asian, 0.0023%; no homozygotes.

Submissions (2):

Human Genetics Bochum, Ruhr University Bochum
Classification: Uncertain significance for Long QT syndrome 2. Last evaluated: 2024-09-05. Review status: criteria provided, single submitter. Criteria: ACMG Guidelines, 2015. Collection method: clinical testing. Allele origin: germline. Affected: yes.
Comment: ACMG criteria used to clasify this variant: PM2_SUP, PP2, PP3

Labcorp Genetics (formerly Invitae), Labcorp
Classification: Uncertain significance for Long QT syndrome. Last evaluated: 2020-09-09. Review status: criteria provided, single submitter. Criteria: Invitae Variant Classification Sherloc (09022015). Collection method: clinical testing. Allele origin: germline.
Comment: In summary, the available evidence is currently insufficient to determine the role of this variant in disease. Therefore, it has been classified as a Variant of Uncertain Significance. Algorithms developed to predict the effect of missense changes on protein structure and function are either unavailable or do not agree on the potential impact of this missense change (SIFT: "Tolerated"; PolyPhen-2: "Possibly Damaging"; Align-GVGD: "Class C0"). This variant has not been reported in the literature in individuals with KCNH2-related conditions. This variant is present in population databases (rs765920319, ExAC 0.01%). This sequence change replaces proline with arginine at codon 952 of the KCNH2 protein (p.Pro952Arg). The proline residue is weakly conserved and there is a moderate physicochemical difference between proline and arginine.